The following is an entry in ClinVar:

ClinVar aggregate classification (germline): Conflicting classifications of pathogenicity. Review status: criteria provided, conflicting classifications (1 of 4 stars). 3 submissions from 3 submitters: Uncertain significance (1); Likely benign (2). Last evaluated 2025-12-17.

Conditions:
NOTCH2-related disorder. Also called: NOTCH2-related condition.
Hajdu-Cheney syndrome (HJCYS). Also called: ACROOSTEOLYSIS WITH OSTEOPOROSIS AND CHANGES IN SKULL AND MANDIBLE; SERPENTINE FIBULA-POLYCYSTIC KIDNEY SYNDROME; Acroosteolysis dominant type. Identifiers: Orphanet 955, MedGen C0917715, MONDO:0007057, OMIM 102500.

Allele frequency attached by ClinVar (database versions not stated): gnomAD exomes 0.00001; ExAC 0.00002; TOPMed 0.00005; gnomAD 0.00008.
gnomAD v4.1: 17 of 1,614,116 alleles (0.0011%); highest among the groups gnomAD compares: African/African-American, 0.021%; no homozygotes.

Submissions (3):

Labcorp Genetics (formerly Invitae), Labcorp
Classification: Likely benign for Hajdu-Cheney syndrome. Last evaluated: 2025-12-17. Review status: criteria provided, single submitter. Criteria: Invitae Variant Classification Sherloc (09022015). Collection method: clinical testing. Allele origin: germline.

PreventionGenetics, part of Exact Sciences
Classification: Likely benign for NOTCH2-related condition. Last evaluated: 2025-06-16. Review status: criteria provided, single submitter. Criteria: ACMG Guidelines, 2015. Collection method: clinical testing. Allele origin: germline.
Comment: This variant is classified as likely benign based on ACMG/AMP sequence variant interpretation guidelines (Richards et al. 2015 PMID: 25741868, with internal and published modifications).

Eurofins Ntd Llc (ga)
Classification: Uncertain significance. Last evaluated: 2014-07-10. Review status: criteria provided, single submitter. Criteria: EGL Classification Definitions 2015. Collection method: clinical testing. Allele origin: germline. Observed: 1 variant allele, 1 heterozygote.

NM_024408.4(NOTCH2):c.4041A>G (p.Gly1347=)

Gene: NOTCH2 (notch receptor 2; minus strand). Cytogenetic location: 1p12.
Variant type: single nucleotide variant.
Coding change: c.4041A>G on transcript NM_024408.4 (MANE Select); coding-DNA position 4041, A replaced by G.
Protein change: p.Gly1347=; no amino-acid change (glycine 1347 retained).
Molecular consequence: synonymous variant.
Genome position (GRCh38, 1-based): chr1:119,925,775, T>C on the plus strand (A>G on the coding strand, the complement: NOTCH2 is on the minus strand). VCF-style: chr1-119925775-T-C. GRCh37 (hg19) VCF-style: chr1-120468398-T-C.
Other names: c.4041A>G (NM_024408.3).
Identifiers: ClinVar variation 195906 (VCV000195906.14), dbSNP rs753043164, ClinGen allele CA242576.